The following is an entry in ClinVar:

NM_002875.5(RAD51):c.263C>T (p.Thr88Ile)

Gene: RAD51 (RAD51 recombinase; plus strand). Cytogenetic location: 15q15.1.
Variant type: single nucleotide variant.
Coding change: c.263C>T on transcript NM_002875.5 (MANE Select); coding-DNA position 263, C replaced by T.
Protein change: p.Thr88Ile; replaces threonine 88 with isoleucine.
Molecular consequence: missense variant. On other transcripts: intron variant (2).
Genome position (GRCh38, 1-based): chr15:40,706,214, C>T. VCF-style: chr15-40706214-C-T. GRCh37 (hg19) VCF-style: chr15-40998412-C-T.
Other names: c.263C>T, p.Thr88Ile (NM_001164270.2); c.347-2811C>T (NM_133487.4, NM_001164269.2); short protein forms T88I.
Identifiers: ClinVar variation 2450852 (VCV002450852.2), dbSNP rs2141830286, ClinGen allele CA391749567.
Genomic context (GRCh38, chr15:40,706,214, plus strand): 5'-TTAATATTTCTTATTTTTCCCAGGCTGAGGCAGCTAAATTAGTTCCAATGGGTTTCACCA[C>T]TGCAACTGAATTCCACCAAAGGCGGTCAGAGATCATACAGATTACTACTGGCTCCAAAGA-3'
Protein context (NP_002866.2, residues 78-98): AAKLVPMGFT[Thr88Ile]ATEFHQRRSE

ClinVar aggregate classification (germline): Uncertain significance (1 of 4 stars; one submission).

Conditions:
Inborn genetic diseases. Identifiers: MedGen C0950123, MeSH D030342.

Submission:

Ambry Genetics
Classification: Uncertain significance for Inborn genetic diseases. Last evaluated: 2022-12-12. Review status: criteria provided, single submitter. Criteria: Ambry Variant Classification Scheme 2023. Collection method: clinical testing. Allele origin: germline.
Comment: The p.T88I variant (also known as c.263C>T), located in coding exon 3 of the RAD51 gene, results from a C to T substitution at nucleotide position 263. The threonine at codon 88 is replaced by isoleucine, an amino acid with similar properties. This amino acid position is conserved. In addition, this alteration is predicted to be deleterious by in silico analysis. Since supporting evidence is limited at this time, the clinical significance of this alteration remains unclear.